The following is an entry in ClinVar:

NM_020247.5(COQ8A):c.739G>C (p.Ala247Pro)

Gene: COQ8A (coenzyme Q8A; plus strand). Cytogenetic location: 1q42.13.
Variant type: single nucleotide variant.
Coding change: c.739G>C on transcript NM_020247.5 (MANE Select); coding-DNA position 739, G replaced by C.
Protein change: p.Ala247Pro; replaces alanine 247 with proline.
Molecular consequence: missense variant.
Genome position (GRCh38, 1-based): chr1:226,982,035, G>C. VCF-style: chr1-226982035-G-C. GRCh37 (hg19) VCF-style: chr1-227169736-G-C.
Other names: short protein forms A247P.
Identifiers: ClinVar variation 1471335 (VCV001471335.6), dbSNP rs1659727817, ClinGen allele CA345051798.

ClinVar aggregate classification (germline): Uncertain significance (1 of 4 stars; one submission).

Allele frequency attached by ClinVar (database versions not stated): TOPMed below 0.00001; gnomAD 0.00002.
gnomAD v4.1: 4 of 1,612,786 alleles (0.00025%); highest among the groups gnomAD compares: African/African-American, 0.004%; no homozygotes.

Submission:

Labcorp Genetics (formerly Invitae), Labcorp
Classification: Uncertain significance. Last evaluated: 2022-09-01. Review status: criteria provided, single submitter. Criteria: Invitae Variant Classification Sherloc (09022015). Collection method: clinical testing. Allele origin: germline.
Comment: Advanced modeling of protein sequence and biophysical properties (such as structural, functional, and spatial information, amino acid conservation, physicochemical variation, residue mobility, and thermodynamic stability) performed at Invitae indicates that this missense variant is not expected to disrupt COQ8A protein function. In summary, the available evidence is currently insufficient to determine the role of this variant in disease. Therefore, it has been classified as a Variant of Uncertain Significance. This sequence change replaces alanine, which is neutral and non-polar, with proline, which is neutral and non-polar, at codon 247 of the COQ8A protein (p.Ala247Pro). This variant is not present in population databases (gnomAD no frequency). This variant has not been reported in the literature in individuals affected with COQ8A-related conditions. ClinVar contains an entry for this variant (Variation ID: 1471335).